The following is an entry in ClinVar:

NM_173648.4(CCDC141):c.898-3C>G

Gene: CCDC141 (coiled-coil domain containing 141; minus strand). Cytogenetic location: 2q31.2.
Variant type: single nucleotide variant.
Coding change: c.898-3C>G on transcript NM_173648.4 (MANE Select); 3 bases into the intron before coding-DNA position 898, C replaced by G.
Molecular consequence: intron variant.
Genome position (GRCh38, 1-based): chr2:178,918,910, G>C on the plus strand (C>G on the coding strand, the complement: CCDC141 is on the minus strand). VCF-style: chr2-178918910-G-C. GRCh37 (hg19) VCF-style: chr2-179783637-G-C.
Other names: c.898-3C>G (NM_001316745.2).
Identifiers: ClinVar variation 4748077 (VCV004748077.1).
Genomic context (GRCh38, chr2:178,918,910, plus strand): 5'-TTGACAGCAGAATTCTCAGTGCCTCACTCTTCAGCTTCTCAACAGCAGAATTCCATTCCT[G>C]CAAGAGATTATTCTTATTATTTTATACATCTCCTCTGTTATGGACCGAATGCTTGTGTCC-3'

ClinVar aggregate classification (germline): Uncertain significance (1 of 4 stars; one submission).

gnomAD v4.1: 48 of 1,549,036 alleles (0.0031%); highest among the groups gnomAD compares: African/African-American, 0.0055%; no homozygotes.

Submission:

Labcorp Genetics (formerly Invitae), Labcorp
Classification: Uncertain significance. Last evaluated: 2025-03-08. Review status: criteria provided, single submitter. Criteria: Invitae Variant Classification Sherloc (09022015). Collection method: clinical testing. Allele origin: germline.
Comment: This sequence change falls in intron 6 of the CCDC141 gene. It does not directly change the encoded amino acid sequence of the CCDC141 protein. It affects a nucleotide within the consensus splice site. This variant is present in population databases (rs772676835, gnomAD 0.01%). This variant has not been reported in the literature in individuals affected with CCDC141-related conditions. Variants that disrupt the consensus splice site are a relatively common cause of aberrant splicing (PMID: 17576681, 9536098). Algorithms developed to predict the effect of sequence changes on RNA splicing suggest that this variant may disrupt the consensus splice site. In summary, the available evidence is currently insufficient to determine the role of this variant in disease. Therefore, it has been classified as a Variant of Uncertain Significance.

Literature cited by the submitters: PubMed 17576681; PubMed 9536098.